The following is an entry in ClinVar:

ClinVar aggregate classification (germline): Uncertain significance (1 of 4 stars; one submission).

Submission:

CeGaT Center for Human Genetics Tuebingen
Classification: Uncertain significance. Last evaluated: 2025-03-01. Review status: criteria provided, single submitter. Criteria: CeGaT Center For Human Genetics Tuebingen Variant Classification Criteria Version 2. Collection method: clinical testing. Allele origin: germline. Affected: yes. Observed: 1 variant allele.
Comment: ZMYND11: PM2, PP2, PP3

NM_001370100.5(ZMYND11):c.298G>A (p.Asp100Asn)

Gene: ZMYND11 (zinc finger MYND-type containing 11; plus strand). Cytogenetic location: 10p15.3.
Variant type: single nucleotide variant.
Coding change: c.298G>A on transcript NM_001370100.5 (MANE Select); coding-DNA position 298, G replaced by A.
Protein change: p.Asp100Asn; replaces aspartic acid 100 with asparagine.
Molecular consequence: missense variant. On other transcripts: non-coding transcript variant (1), intron variant (18).
Genome position (GRCh38, 1-based): chr10:221,216, G>A. VCF-style: chr10-221216-G-A. GRCh37 (hg19) VCF-style: chr10-267156-G-A.
Other names: c.298G>A, p.Asp100Asn (NM_001370114.2, NM_001370115.2, NM_001370117.2 and 10 more transcripts); c.232G>A, p.Asp78Asn (NM_001370116.2); c.178G>A, p.Asp60Asn (NM_001370118.2); c.276+11168G>A (NM_001370103.2, NM_001370104.2, NM_001370105.2 and 11 more transcripts); c.247G>A, p.Asp83Asn (NM_001330057.3, NM_001370112.2); c.210+11168G>A (NM_001370120.2); c.-33-15622G>A (NM_001370124.3); c.225+11168G>A (NM_001370123.2); and 1 more; short protein forms D100N, D60N, D78N, D83N.
Identifiers: ClinVar variation 3778553 (VCV003778553.7).